The following is an entry in ClinVar:

ClinVar aggregate classification (germline): Pathogenic (1 of 4 stars; one submission).

Conditions:
Autosomal recessive limb-girdle muscular dystrophy type 2L (LGMDR12). Also called: MUSCULAR DYSTROPHY, LIMB-GIRDLE, AUTOSOMAL RECESSIVE 12; Limb-Girdle Muscular Dystrophy R12 Anoctamin-5-Related (LGMD-R12); Limb-girdle muscular dystrophy, type 2L. Identifiers: Orphanet 206549, MedGen C1969785, MONDO:0012652, OMIM 611307.
Gnathodiaphyseal dysplasia (GDD). Also called: GNATHODIAPHYSEAL SCLEROSIS; OSTEOGENESIS IMPERFECTA WITH UNUSUAL SKELETAL LESIONS. Identifiers: Orphanet 53697, MedGen C1833736, MONDO:0008151, OMIM 166260.

Submission:

Labcorp Genetics (formerly Invitae), Labcorp
Classification: Pathogenic for Autosomal recessive limb-girdle muscular dystrophy type 2L; Gnathodiaphyseal dysplasia. Last evaluated: 2023-09-18. Review status: criteria provided, single submitter. Criteria: Invitae Variant Classification Sherloc (09022015). Collection method: clinical testing. Allele origin: germline.
Comment: This sequence change creates a premature translational stop signal (p.Glu600Valfs*11) in the ANO5 gene. It is expected to result in an absent or disrupted protein product. Loss-of-function variants in ANO5 are known to be pathogenic (PMID: 21186264, 23606453, 25891276, 30919934). This variant is not present in population databases (gnomAD no frequency). This premature translational stop signal has been observed in individual(s) with autosomal recessive ANO5-related conditions (PMID: 32819793). ClinVar contains an entry for this variant (Variation ID: 1906545). For these reasons, this variant has been classified as Pathogenic.

Literature cited by the submitters: PubMed 21186264; PubMed 23606453; PubMed 25891276; PubMed 30919934; PubMed 32819793.

NM_213599.3(ANO5):c.1794_1798dup (p.Glu600fs)

Gene: ANO5 (anoctamin 5; plus strand). Cytogenetic location: 11p14.3.
Variant type: Duplication.
Coding change: c.1794_1798dup on transcript NM_213599.3 (MANE Select); coding-DNA positions 1794 to 1798, 5 bases duplicated (TGAAG; older notation c.1794_1798dupTGAAG).
Protein change: p.Glu600fs; shifts the reading frame from glutamic acid 600.
Molecular consequence: frameshift variant.
Genome position (GRCh38, 1-based): chr11:22,262,292-22,262,296, TGAAG duplicated; duplicating any 5 consecutive bases within chr11:22,262,288-22,262,296 gives the same sequence; the c. name uses the placement nearest the transcript's 3' end. VCF-style (leftmost placement, unchanged base first): chr11-22262287-A-AGAAGT. GRCh37 (hg19) VCF-style: chr11-22283833-A-AGAAGT.
Other names: c.1791_1795dup, p.Glu599fs (NM_001142649.2); c.1752_1756dup, p.Glu586Valfs (NM_001410963.1); c.1749_1753dup, p.Glu585Valfs (NM_001410964.1); short protein forms E600fs, E599fs.
Identifiers: ClinVar variation 1906545 (VCV001906545.5), dbSNP rs2494319481, ClinGen allele CA2580082911.